The following is an entry in ClinVar:

ClinVar aggregate classification (germline): Likely pathogenic (1 of 4 stars; one submission).

Submission:

Labcorp Genetics (formerly Invitae), Labcorp
Classification: Likely pathogenic. Last evaluated: 2024-10-23. Review status: criteria provided, single submitter. Criteria: Invitae Variant Classification Sherloc (09022015). Collection method: clinical testing. Allele origin: germline.
Comment: This variant, c.592_597dup, results in the insertion of 2 amino acid(s) of the PAFAH1B1 protein (p.Val198_Ala199dup), but otherwise preserves the integrity of the reading frame. This variant is not present in population databases (gnomAD no frequency). This variant has been observed in individual(s) with PAFAH1B1-related conditions (internal data). In at least one individual the variant was observed to be de novo. ClinVar contains an entry for this variant (Variation ID: 1346649). In summary, the currently available evidence indicates that the variant is pathogenic, but additional data are needed to prove that conclusively. Therefore, this variant has been classified as Likely Pathogenic.

NM_000430.4(PAFAH1B1):c.592_597dup (p.Val198_Ala199dup)

Gene: PAFAH1B1 (platelet activating factor acetylhydrolase 1b regulatory subunit 1; plus strand). Cytogenetic location: 17p13.3.
Variant type: Duplication.
Coding change: c.592_597dup on transcript NM_000430.4 (MANE Select); coding-DNA positions 592 to 597, 6 bases duplicated (GTAGCC; older notation c.592_597dupGTAGCC).
Protein change: p.Val198_Ala199dup.
Molecular consequence: inframe insertion.
Genome position (GRCh38, 1-based): chr17:2,672,678-2,672,683, GTAGCC duplicated. VCF-style (leftmost placement, unchanged base first): chr17-2672677-A-AGTAGCC. GRCh37 (hg19) VCF-style: chr17-2575971-A-AGTAGCC.
Identifiers: ClinVar variation 1346649 (VCV001346649.8), dbSNP rs2151666355, ClinGen allele CA2573153010.
Genomic context (GRCh38, chr17:2,672,677, plus strand): 5'-TATATTACTTCATAATATATTGCTGTTATGTGTTTTAGGCCATGACCACAATGTTTCTTC[A>AGTAGCC]GTAGCCATCATGCCCAATGGAGATCATATAGTGTCTGCCTCAAGGGATAAAACTATAAAA-3'